The following is an entry in ClinVar:

NM_213607.3(DNAAF19):c.512C>A (p.Ala171Glu)

Gene: DNAAF19 (dynein axonemal assembly factor 19; plus strand). Cytogenetic location: 17q21.31.
Variant type: single nucleotide variant.
Coding change: c.512C>A on transcript NM_213607.3 (MANE Select); coding-DNA position 512, C replaced by A.
Protein change: p.Ala171Glu; replaces alanine 171 with glutamic acid.
Molecular consequence: missense variant. On other transcripts: 3 prime UTR variant (3).
Genome position (GRCh38, 1-based): chr17:44,902,600, C>A. VCF-style: chr17-44902600-C-A. GRCh37 (hg19) VCF-style: chr17-42979968-C-A.
Other names: c.512C>A, p.Ala171Glu (NM_001258395.2, NM_001258396.2); c.*262C>A (NM_001258397.3); c.*201C>A (NM_001258398.3, NM_001258399.2); short protein forms A171E.
Identifiers: ClinVar variation 3029191 (VCV003029191.3), dbSNP rs756958260, ClinGen allele CA8608391.

ClinVar aggregate classification (germline): Uncertain significance. Review status: criteria provided, single submitter (1 of 4 stars). 2 submissions from 2 submitters: Uncertain significance (1). 1 of the submissions does not count toward it. Last evaluated 2025-06-24.

Conditions:
CCDC103-related disorder. Also called: CCDC103-related condition.
Primary ciliary dyskinesia. Also called: Ciliary dyskinesia. Identifiers: Orphanet 244, MedGen C0008780, MONDO:0016575, HP:0012265.

Allele frequency attached by ClinVar (database versions not stated): ExAC 0.00001.
gnomAD v4.1: 7 of 1,614,014 alleles (0.00043%); highest among the groups gnomAD compares: Admixed American, 0.012%; no homozygotes.

Submissions (2):

Labcorp Genetics (formerly Invitae), Labcorp
Classification: Uncertain significance for Primary ciliary dyskinesia. Last evaluated: 2025-06-24. Review status: criteria provided, single submitter. Criteria: Invitae Variant Classification Sherloc (09022015). Collection method: clinical testing. Allele origin: germline.
Comment: This sequence change replaces alanine, which is neutral and non-polar, with glutamic acid, which is acidic and polar, at codon 171 of the CCDC103 protein (p.Ala171Glu). This variant is present in population databases (rs756958260, gnomAD 0.02%). This variant has not been reported in the literature in individuals affected with CCDC103-related conditions. ClinVar contains an entry for this variant (Variation ID: 3029191). An algorithm developed to predict the effect of missense changes on protein structure and function (PolyPhen-2) suggests that this variant is likely to be disruptive. In summary, the available evidence is currently insufficient to determine the role of this variant in disease. Therefore, it has been classified as a Variant of Uncertain Significance.

PreventionGenetics, part of Exact Sciences
Classification: Uncertain significance for CCDC103-related condition. Last evaluated: 2024-02-07. Review status: no assertion criteria provided. Collection method: clinical testing. Allele origin: germline. Not counted in ClinVar's aggregate classification.
Comment: The CCDC103 c.512C>A variant is predicted to result in the amino acid substitution p.Ala171Glu. To our knowledge, this variant has not been reported in the literature. This variant is reported in 0.014% of alleles in individuals of Latino descent in gnomAD. At this time, the clinical significance of this variant is uncertain due to the absence of conclusive functional and genetic evidence.